The following is an entry in ClinVar:

ClinVar aggregate classification (germline): Conflicting classifications of pathogenicity. Review status: criteria provided, conflicting classifications (1 of 4 stars). 3 submissions from 3 submitters: Uncertain significance (2); Likely benign (1). Last evaluated 2024-06-11.

Conditions:
Cardiovascular phenotype. Identifiers: MedGen CN230736.

Allele frequency attached by ClinVar (database versions not stated): gnomAD exomes 0.00003; ExAC 0.00006; gnomAD 0.00022; ESP Exome Variant Server 0.00023; TOPMed 0.00027; 1000 Genomes Project 30x 0.00047; 1000 Genomes Project 0.00060.
gnomAD v4.1: 80 of 1,606,482 alleles (0.005%); highest among the groups gnomAD compares: African/African-American, 0.083%; no homozygotes.

Submissions (3):

Ambry Genetics
Classification: Likely benign for Cardiovascular phenotype. Last evaluated: 2024-06-11. Review status: criteria provided, single submitter. Criteria: Ambry Variant Classification Scheme 2023. Collection method: clinical testing. Allele origin: germline.

Mayo Clinic Laboratories, Mayo Clinic
Classification: Uncertain significance. Last evaluated: 2024-01-31. Review status: criteria provided, single submitter. Criteria: ACMG Guidelines, 2015. Collection method: clinical testing. Allele origin: germline. Observed: 1 variant allele.
Comment: BP4

GeneDx
Classification: Uncertain significance. Last evaluated: 2023-02-02. Review status: criteria provided, single submitter. Criteria: GeneDx Variant Classification Process June 2021. Collection method: clinical testing. Allele origin: germline. Affected: yes.
Comment: In silico analysis supports that this missense variant does not alter protein structure/function; Has not been previously published as pathogenic or benign to our knowledge

NM_001365276.2(TNXB):c.2623G>A (p.Val875Ile)

Gene: TNXB (tenascin XB; minus strand). Cytogenetic location: 6p21.33.
Variant type: single nucleotide variant.
Coding change: c.2623G>A on transcript NM_001365276.2 (MANE Select); coding-DNA position 2623, G replaced by A.
Protein change: p.Val875Ile; replaces valine 875 with isoleucine.
Molecular consequence: missense variant.
Genome position (GRCh38, 1-based): chr6:32,088,941, C>T on the plus strand (G>A on the coding strand, the complement: TNXB is on the minus strand). VCF-style: chr6-32088941-C-T. GRCh37 (hg19) VCF-style: chr6-32056718-C-T.
Other names: p.Val875Ile; c.2623G>A, p.Val875Ile (NM_019105.8); short protein forms V875I.
Identifiers: ClinVar variation 1191765 (VCV001191765.13), dbSNP rs377480086, ClinGen allele CA3735445.